The following is an entry in ClinVar:

ClinVar aggregate classification (germline): Uncertain significance (1 of 4 stars; one submission).

Conditions:
Early-onset Parkinson disease 20. Also called: PARKINSON DISEASE 20, AUTOSOMAL RECESSIVE EARLY-ONSET. Identifiers: Orphanet 391411, MedGen C3809824, MONDO:0014233, OMIM 615530.
Developmental and epileptic encephalopathy, 53. Also called: Epileptic encephalopathy, early infantile, 53. Identifiers: MedGen C4479313, MONDO:0033362, OMIM 617389.

Allele frequency attached by ClinVar (database versions not stated): TOPMed 0.00001; ExAC 0.00002; gnomAD 0.00002 and 0.00003; gnomAD exomes 0.00002; ESP Exome Variant Server 0.00008; 1000 Genomes Project 0.00020; 1000 Genomes Project 30x 0.00031.
gnomAD v4.1: 38 of 1,544,128 alleles (0.0025%); highest among the groups gnomAD compares: East Asian, 0.0046%; no homozygotes.

Submission:

Labcorp Genetics (formerly Invitae), Labcorp
Classification: Uncertain significance for Developmental and epileptic encephalopathy, 53; Early-onset Parkinson disease 20. Last evaluated: 2022-04-18. Review status: criteria provided, single submitter. Criteria: Invitae Variant Classification Sherloc (09022015). Collection method: clinical testing. Allele origin: germline.
Comment: This sequence change replaces arginine, which is basic and polar, with tryptophan, which is neutral and slightly polar, at codon 106 of the SYNJ1 protein (p.Arg106Trp). This variant is present in population databases (rs372488661, gnomAD 0.007%). This variant has not been reported in the literature in individuals affected with SYNJ1-related conditions. ClinVar contains an entry for this variant (Variation ID: 544548). Algorithms developed to predict the effect of missense changes on protein structure and function are either unavailable or do not agree on the potential impact of this missense change (SIFT: "Deleterious"; PolyPhen-2: "Probably Damaging"; Align-GVGD: "Class C0"). In summary, the available evidence is currently insufficient to determine the role of this variant in disease. Therefore, it has been classified as a Variant of Uncertain Significance.

NM_203446.3(SYNJ1):c.199C>T (p.Arg67Trp)

Gene: SYNJ1 (synaptojanin 1; minus strand). Cytogenetic location: 21q22.11.
Variant type: single nucleotide variant.
Coding change: c.199C>T on transcript NM_203446.3 (MANE Select); coding-DNA position 199, C replaced by T.
Protein change: p.Arg67Trp; replaces arginine 67 with tryptophan.
Molecular consequence: missense variant.
Genome position (GRCh38, 1-based): chr21:32,701,973, G>A on the plus strand (C>T on the coding strand, the complement: SYNJ1 is on the minus strand). VCF-style: chr21-32701973-G-A. GRCh37 (hg19) VCF-style: chr21-34074283-G-A.
Other names: c.199C>T, p.Arg67Trp (NM_001160302.2, NM_001160306.2); c.316C>T, p.Arg106Trp (NM_003895.4); short protein forms R106W, R67W.
Identifiers: ClinVar variation 544548 (VCV000544548.6), dbSNP rs372488661, ClinGen allele CA10004185.